The following is an entry in ClinVar:

NM_001347721.2(DYRK1A):c.1442G>A (p.Ser481Asn)

Gene: DYRK1A (dual specificity tyrosine phosphorylation regulated kinase 1A; plus strand). Cytogenetic location: 21q22.13.
Variant type: single nucleotide variant.
Coding change: c.1442G>A on transcript NM_001347721.2 (MANE Select); coding-DNA position 1442, G replaced by A.
Protein change: p.Ser481Asn; replaces serine 481 with asparagine.
Molecular consequence: missense variant.
Genome position (GRCh38, 1-based): chr21:37,505,512, G>A. VCF-style: chr21-37505512-G-A. GRCh37 (hg19) VCF-style: chr21-38877815-G-A.
Other names: c.1442G>A, p.Ser481Asn (NM_001347722.2, NM_130436.2); c.1355G>A, p.Ser452Asn (NM_001347723.2); c.1469G>A, p.Ser490Asn (NM_001396.5, NM_101395.2, NM_130438.2); short protein forms S490N, S481N, S452N.
Identifiers: ClinVar variation 4745625 (VCV004745625.1).
Genomic context (GRCh38, chr21:37,505,512, plus strand): 5'-CTTATTATGCTCTGCAGCACAGTTTCTTCAAGAAAACAGCTGATGAAGGTACAAATACAA[G>A]TAATAGTGTATCTACAAGCCCCGCCATGGAGCAGTCTCAGTCTTCGGGCACCACCTCCAG-3'
Protein context (NP_001334650.1, residues 471-491): KKTADEGTNT[Ser481Asn]NSVSTSPAME

ClinVar aggregate classification (germline): Uncertain significance (1 of 4 stars; one submission).

Conditions:
DYRK1A-related intellectual disability syndrome (MRD7). Also called: DYRK1A Syndrome; Intellectual developmental disorder, autosomal dominant 7. Identifiers: Orphanet 464306, MedGen C5568143, MONDO:0013578, OMIM 614104.

Submission:

Labcorp Genetics (formerly Invitae), Labcorp
Classification: Uncertain significance for DYRK1A-related intellectual disability syndrome. Last evaluated: 2025-04-01. Review status: criteria provided, single submitter. Criteria: Invitae Variant Classification Sherloc (09022015). Collection method: clinical testing. Allele origin: germline.
Comment: This sequence change replaces serine, which is neutral and polar, with asparagine, which is neutral and polar, at codon 490 of the DYRK1A protein (p.Ser490Asn). This variant is not present in population databases (gnomAD no frequency). This variant has not been reported in the literature in individuals affected with DYRK1A-related conditions. Invitae Evidence Modeling of protein sequence and biophysical properties (such as structural, functional, and spatial information, amino acid conservation, physicochemical variation, residue mobility, and thermodynamic stability) indicates that this missense variant is not expected to disrupt DYRK1A protein function with a negative predictive value of 80%. In summary, the available evidence is currently insufficient to determine the role of this variant in disease. Therefore, it has been classified as a Variant of Uncertain Significance.